The following is an entry in ClinVar:

ClinVar aggregate classification (germline): Uncertain significance (1 of 4 stars; one submission).

Conditions:
Hereditary cancer-predisposing syndrome. Also called: Neoplastic Syndromes, Hereditary; Hereditary Cancer Syndrome; Tumor predisposition; Hereditary neoplastic syndrome. Identifiers: Orphanet 140162, MedGen C0027672, MeSH D009386, MONDO:0015356.

Submission:

Ambry Genetics
Classification: Uncertain significance for Hereditary cancer-predisposing syndrome. Last evaluated: 2025-01-03. Review status: criteria provided, single submitter. Criteria: Ambry Variant Classification Scheme 2023. Collection method: clinical testing. Allele origin: germline.
Comment: The p.D549A variant (also known as c.1646A>C), located in coding exon 13 of the POT1 gene, results from an A to C substitution at nucleotide position 1646. The aspartic acid at codon 549 is replaced by alanine, an amino acid with dissimilar properties. This amino acid position is conserved. In addition, this alteration is predicted to be tolerated by in silico analysis. Based on the available evidence, the clinical significance of this variant remains unclear.

NM_015450.3(POT1):c.1646A>C (p.Asp549Ala)

Gene: POT1 (protection of telomeres 1; minus strand). Cytogenetic location: 7q31.33.
Variant type: single nucleotide variant.
Coding change: c.1646A>C on transcript NM_015450.3 (MANE Select); coding-DNA position 1646, A replaced by C.
Protein change: p.Asp549Ala; replaces aspartic acid 549 with alanine.
Molecular consequence: missense variant. On other transcripts: non-coding transcript variant (3).
Genome position (GRCh38, 1-based): chr7:124,827,254, T>G on the plus strand (A>C on the coding strand, the complement: POT1 is on the minus strand). VCF-style: chr7-124827254-T-G. GRCh37 (hg19) VCF-style: chr7-124467308-T-G.
Other names: c.1253A>C, p.Asp418Ala (NM_001042594.2); short protein forms D418A, D549A.
Identifiers: ClinVar variation 3781993 (VCV003781993.1).
Genomic context (GRCh38, chr7:124,827,254, plus strand): 5'-TTATTACCTCTGATACTTACAGAATCCATGAGATAGGCTTCTAGTACTCCTGTTCCATCA[T>G]CAAGTGTAAAGGTCATAACAAACACATATTGGAGGGGTACAATACCCAGTGCTAGTGAAG-3'
Protein context (NP_056265.2, residues 539-559): QYVFVMTFTL[Asp549Ala]DGTGVLEAYL